The following is an entry in ClinVar:

ClinVar aggregate classification (germline): Uncertain significance (1 of 4 stars; one submission).

Conditions:
Inborn genetic diseases. Identifiers: MedGen C0950123, MeSH D030342.

gnomAD v4.1: 1 of 1,613,586 alleles (0.000062%); highest among the groups gnomAD compares: African/African-American, 0.0013%; no homozygotes.

Submission:

Ambry Genetics
Classification: Uncertain significance for Inborn genetic diseases. Last evaluated: 2025-05-03. Review status: criteria provided, single submitter. Criteria: Ambry Variant Classification Scheme 2023. Collection method: clinical testing. Allele origin: germline.
Comment: The p.F561C variant (also known as c.1682T>G), located in coding exon 10 of the FANCM gene, results from a T to G substitution at nucleotide position 1682. The phenylalanine at codon 561 is replaced by cysteine, an amino acid with highly dissimilar properties. This amino acid position is conserved. In addition, this alteration is predicted to be deleterious by in silico analysis. Based on the available evidence, the clinical significance of this variant remains unclear.

NM_020937.4(FANCM):c.1682T>G (p.Phe561Cys)

Gene: FANCM (FA complementation group M; plus strand). Cytogenetic location: 14q21.2.
Variant type: single nucleotide variant.
Coding change: c.1682T>G on transcript NM_020937.4 (MANE Select); coding-DNA position 1682, T replaced by G.
Protein change: p.Phe561Cys; replaces phenylalanine 561 with cysteine.
Molecular consequence: missense variant.
Genome position (GRCh38, 1-based): chr14:45,164,459, T>G. VCF-style: chr14-45164459-T-G. GRCh37 (hg19) VCF-style: chr14-45633662-T-G.
Other names: c.1604T>G, p.Phe535Cys (NM_001308133.2); c.1682T>G, p.Phe561Cys (NM_001308134.2); short protein forms F561C, F535C.
Identifiers: ClinVar variation 4022742 (VCV004022742.1).